The following is an entry in ClinVar:

ClinVar aggregate classification (germline): Uncertain significance (1 of 4 stars; one submission).

Submission:

Dasa
Classification: Uncertain significance. Last evaluated: 2024-11-08. Review status: criteria provided, single submitter. Criteria: DASA Assertion Criteria. Collection method: clinical testing. Allele origin: germline.
Comment: NM_000138.5(FBN1):c.192T>G (p.Asn64Lys) is a missense variant that results in the substitution of asparagine with lysine. This variant is absent from population databases. The currently available literature and clinical evidence are not sufficient to establish a definitive association between this variant and the reported condition. Therefore, this variant is classified as a variant of uncertain significance.

NM_000138.5(FBN1):c.192T>G (p.Asn64Lys)

Gene: FBN1 (fibrillin 1; minus strand). Cytogenetic location: 15q21.1.
Variant type: single nucleotide variant.
Coding change: c.192T>G on transcript NM_000138.5 (MANE Select); coding-DNA position 192, T replaced by G.
Protein change: p.Asn64Lys; replaces asparagine 64 with lysine.
Molecular consequence: missense variant.
Genome position (GRCh38, 1-based): chr15:48,613,065, A>C on the plus strand (T>G on the coding strand, the complement: FBN1 is on the minus strand). VCF-style: chr15-48613065-A-C. GRCh37 (hg19) VCF-style: chr15-48905262-A-C.
Other names: c.192T>G, p.Asn64Lys (NM_001406716.1, NM_001406717.1); short protein forms N64K.
Identifiers: ClinVar variation 4856894 (VCV004856894.2).